The following is an entry in ClinVar:

ClinVar aggregate classification (germline): Uncertain significance. Review status: criteria provided, multiple submitters, no conflicts (2 of 4 stars). 2 submissions from 2 submitters: Uncertain significance (2). Last evaluated 2025-10-21.

Conditions:
Cardiovascular phenotype. Identifiers: MedGen CN230736.
Brugada syndrome 5 (BRGDA5). Identifiers: Orphanet 130, Orphanet 871, MedGen C2748541, MONDO:0013015, OMIM 612838.

Allele frequency attached by ClinVar (database versions not stated): TOPMed below 0.00001.
gnomAD v4.1: 3 of 1,614,142 alleles (0.00019%); highest among the groups gnomAD compares: Admixed American, 0.0017%; no homozygotes.

Submissions (2):

Ambry Genetics
Classification: Uncertain significance for Cardiovascular phenotype. Last evaluated: 2025-10-21. Review status: criteria provided, single submitter. Criteria: Ambry Variant Classification Scheme 2023. Collection method: clinical testing. Allele origin: germline.

Labcorp Genetics (formerly Invitae), Labcorp
Classification: Uncertain significance for Brugada syndrome 5. Last evaluated: 2021-09-07. Review status: criteria provided, single submitter. Criteria: Invitae Variant Classification Sherloc (09022015). Collection method: clinical testing. Allele origin: germline.
Comment: This sequence change replaces arginine with histidine at codon 46 of the SCN1B protein (p.Arg46His). The arginine residue is highly conserved and there is a small physicochemical difference between arginine and histidine. This variant is not present in population databases (ExAC no frequency). This variant has not been reported in the literature in individuals affected with SCN1B-related conditions. Algorithms developed to predict the effect of missense changes on protein structure and function (SIFT, PolyPhen-2, Align-GVGD) all suggest that this variant is likely to be disruptive. In summary, the available evidence is currently insufficient to determine the role of this variant in disease. Therefore, it has been classified as a Variant of Uncertain Significance.

NM_001037.5(SCN1B):c.137G>A (p.Arg46His)

Gene: SCN1B (sodium voltage-gated channel beta subunit 1; plus strand). Cytogenetic location: 19q13.11.
Variant type: single nucleotide variant.
Coding change: c.137G>A on transcript NM_001037.5 (MANE Select); coding-DNA position 137, G replaced by A.
Protein change: p.Arg46His; replaces arginine 46 with histidine.
Molecular consequence: missense variant.
Genome position (GRCh38, 1-based): chr19:35,032,624, G>A. VCF-style: chr19-35032624-G-A. GRCh37 (hg19) VCF-style: chr19-35523528-G-A.
Other names: c.38G>A, p.Arg13His (NM_001321605.2); c.137G>A, p.Arg46His (NM_199037.5); c.137G>A (NM_001037.4); short protein forms R46H, R13H.
Identifiers: ClinVar variation 1514007 (VCV001514007.7), dbSNP rs1024702691, ClinGen allele CA307703362.